The following is an entry in ClinVar:

ClinVar aggregate classification (germline): Uncertain significance (1 of 4 stars; one submission).

Conditions:
Hereditary cancer-predisposing syndrome. Also called: Tumor predisposition; Hereditary neoplastic syndrome; Hereditary Cancer Syndrome; Neoplastic Syndromes, Hereditary. Identifiers: Orphanet 140162, MedGen C0027672, MeSH D009386, MONDO:0015356.

Submission:

Color Diagnostics, LLC DBA Color Health
Classification: Uncertain significance for Hereditary cancer-predisposing syndrome. Last evaluated: 2020-12-15. Review status: criteria provided, single submitter. Criteria: ACMG Guidelines, 2015. Collection method: clinical testing. Allele origin: germline.
Comment: This variant is located in the 5â€šÃ„Ã´ untranslated region of the RAD51D gene. To our knowledge, functional studies have not been reported for this variant. This variant has not been reported in individuals affected with hereditary cancer in the literature. This variant has not been identified in the general population by the Genome Aggregation Database (gnomAD). The available evidence is insufficient to determine the role of this variant in disease conclusively. Therefore, this variant is classified as a Variant of Uncertain Significance.

NM_002878.4(RAD51D):c.-5_-4dup

Genes: RAD51D (RAD51 paralog D; minus strand), RAD51L3-RFFL (RAD51L3-RFFL readthrough; minus strand). Cytogenetic location: 17q12.
Variant type: Duplication.
Coding change: c.-5_-4dup on transcript NM_002878.4 (MANE Select); 5 bases upstream of the start codon through 4 bases upstream of the start codon, 2 bases duplicated (GG; older notation c.-5_-4dupGG).
Molecular consequence: 5 prime UTR variant. On other transcripts: non-coding transcript variant (2).
Genome position (GRCh38, 1-based): chr17:35,119,617-35,119,618, CC duplicated on the plus strand (GG on the coding strand, the reverse complement: RAD51D is on the minus strand); duplicating any 2 consecutive bases within chr17:35,119,617-35,119,620 gives the same sequence; the c. name uses the placement nearest the transcript's 3' end. VCF-style (leftmost placement, unchanged base first): chr17-35119616-T-TCC. GRCh37 (hg19) VCF-style: chr17-33446635-T-TCC.
Other names: c.-5_-4dup (NM_001142571.2, NM_133629.3).
Identifiers: ClinVar variation 1171806 (VCV001171806.2), dbSNP rs2142481209, ClinGen allele CA2499224287.